The following is an entry in ClinVar:

ClinVar aggregate classification (germline): Uncertain significance (1 of 4 stars; one submission).

Conditions:
Larsen-like syndrome, B3GAT3 type. Also called: Multiple joint dislocations, short stature, craniofacial dysmorphism, with or without congenital heart defects; MULTIPLE JOINT DISLOCATIONS, SHORT STATURE, AND CRANIOFACIAL DYSMORPHISM WITH OR WITHOUT CONGENITAL HEART DEFECTS. Identifiers: Orphanet 284139, MedGen CN034159, MONDO:0009511, OMIM 245600.

Submission:

Labcorp Genetics (formerly Invitae), Labcorp
Classification: Uncertain significance for Larsen-like syndrome, B3GAT3 type. Last evaluated: 2023-10-11. Review status: criteria provided, single submitter. Criteria: Invitae Variant Classification Sherloc (09022015). Collection method: clinical testing. Allele origin: germline.
Comment: This sequence change replaces glutamic acid, which is acidic and polar, with glutamine, which is neutral and polar, at codon 319 of the B3GAT3 protein (p.Glu319Gln). This variant is not present in population databases (gnomAD no frequency). This missense change has been observed in individual(s) with B3GAT3-related conditions (Invitae). In at least one individual the data is consistent with being in trans (on the opposite chromosome) from a pathogenic variant. ClinVar contains an entry for this variant (Variation ID: 567412). Advanced modeling of protein sequence and biophysical properties (such as structural, functional, and spatial information, amino acid conservation, physicochemical variation, residue mobility, and thermodynamic stability) performed at Invitae indicates that this missense variant is not expected to disrupt B3GAT3 protein function. In summary, the available evidence is currently insufficient to determine the role of this variant in disease. Therefore, it has been classified as a Variant of Uncertain Significance.

NM_012200.4(B3GAT3):c.955G>C (p.Glu319Gln)

Gene: B3GAT3 (beta-1,3-glucuronyltransferase 3; minus strand). Cytogenetic location: 11q12.3.
Variant type: single nucleotide variant.
Coding change: c.955G>C on transcript NM_012200.4 (MANE Select); coding-DNA position 955, G replaced by C.
Protein change: p.Glu319Gln; replaces glutamic acid 319 with glutamine.
Molecular consequence: missense variant. On other transcripts: 3 prime UTR variant (2), non-coding transcript variant (1).
Genome position (GRCh38, 1-based): chr11:62,615,754, C>G on the plus strand (G>C on the coding strand, the complement: B3GAT3 is on the minus strand). VCF-style: chr11-62615754-C-G. GRCh37 (hg19) VCF-style: chr11-62383226-C-G.
Other names: c.934G>C, p.Glu312Gln (NM_001288721.2); c.*432G>C (NM_001288722.2); c.*448G>C (NM_001288723.2); short protein forms E319Q, E312Q.
Identifiers: ClinVar variation 567412 (VCV000567412.7), dbSNP rs1565074659, ClinGen allele CA380974065.